The following is an entry in ClinVar:

NM_000036.3(AMPD1):c.22+7G>A

Gene: AMPD1 (adenosine monophosphate deaminase 1; minus strand). Cytogenetic location: 1p13.2.
Variant type: single nucleotide variant.
Coding change: c.22+7G>A on transcript NM_000036.3 (MANE Select); 7 bases into the intron after coding-DNA position 22, G replaced by A.
Molecular consequence: intron variant.
Genome position (GRCh38, 1-based): chr1:114,695,443, C>T on the plus strand (G>A on the coding strand, the complement: AMPD1 is on the minus strand). VCF-style: chr1-114695443-C-T. GRCh37 (hg19) VCF-style: chr1-115238064-C-T.
Other names: c.22+7G>A (NM_001172626.2).
Identifiers: ClinVar variation 3031228 (VCV003031228.2), dbSNP rs374385585, ClinGen allele CA29033636.

ClinVar aggregate classification (germline): Likely benign (0 of 4 stars; one submission).

Conditions:
AMPD1-related disorder. Also called: AMPD1-related condition.

Allele frequency attached by ClinVar (database versions not stated): gnomAD exomes below 0.00001; ESP Exome Variant Server 0.00008.
gnomAD v4.1: 2 of 1,611,852 alleles (0.00012%); highest among the groups gnomAD compares: Non-Finnish European, 0.000085%; no homozygotes.

Submission:

PreventionGenetics, part of Exact Sciences
Classification: Likely benign for AMPD1-related condition. Last evaluated: 2021-01-19. Review status: no assertion criteria provided. Collection method: clinical testing. Allele origin: germline.
Comment: This variant is classified as likely benign based on ACMG/AMP sequence variant interpretation guidelines (Richards et al. 2015 PMID: 25741868, with internal and published modifications).